The following is an entry in ClinVar:

ClinVar aggregate classification (germline): Uncertain significance (1 of 4 stars; one submission).

gnomAD v4.1: 332 of 1,613,966 alleles (0.021%); highest among the groups gnomAD compares: Non-Finnish European, 0.025%; no homozygotes.

Submission:

GeneDx
Classification: Uncertain significance. Last evaluated: 2023-05-27. Review status: criteria provided, single submitter. Criteria: GeneDx Variant Classification Process June 2021. Collection method: clinical testing. Allele origin: germline. Affected: yes.
Comment: In silico analysis supports that this missense variant does not alter protein structure/function; Has not been previously published as pathogenic or benign to our knowledge

NM_021095.4(SLC5A6):c.932T>C (p.Ile311Thr)

Gene: SLC5A6 (solute carrier family 5 member 6; minus strand). Cytogenetic location: 2p23.3.
Variant type: single nucleotide variant.
Coding change: c.932T>C on transcript NM_021095.4 (MANE Select); coding-DNA position 932, T replaced by C.
Protein change: p.Ile311Thr; replaces isoleucine 311 with threonine.
Molecular consequence: missense variant. On other transcripts: non-coding transcript variant (1).
Genome position (GRCh38, 1-based): chr2:27,204,534, A>G on the plus strand (T>C on the coding strand, the complement: SLC5A6 is on the minus strand). VCF-style: chr2-27204534-A-G. GRCh37 (hg19) VCF-style: chr2-27427402-A-G.
Other names: short protein forms I311T.
Identifiers: ClinVar variation 3359382 (VCV003359382.1).